The following is an entry in ClinVar:

ClinVar aggregate classification (germline): Uncertain significance (0 of 4 stars; one submission).

Conditions:
SH2B1-related disorder. Also called: SH2B1-related condition.

gnomAD v4.1: 1 of 1,578,108 alleles (0.000063%); no homozygotes.

Submission:

PreventionGenetics, part of Exact Sciences
Classification: Uncertain significance for SH2B1-related condition. Last evaluated: 2024-08-30. Review status: no assertion criteria provided. Collection method: clinical testing. Allele origin: germline.
Comment: The SH2B1 c.16T>C variant is predicted to result in the amino acid substitution p.Ser6Pro. To our knowledge, this variant has not been reported in the literature or in a large population database, indicating this variant is rare. At this time, the clinical significance of this variant is uncertain due to the absence of conclusive functional and genetic evidence.

NM_001387430.1(SH2B1):c.16T>C (p.Ser6Pro)

Gene: SH2B1 (SH2B adaptor protein 1; plus strand). Cytogenetic location: 16p11.2.
Variant type: single nucleotide variant.
Coding change: c.16T>C on transcript NM_001387430.1 (MANE Select); coding-DNA position 16, T replaced by C.
Protein change: p.Ser6Pro; replaces serine 6 with proline.
Molecular consequence: missense variant. On other transcripts: intron variant (1).
Genome position (GRCh38, 1-based): chr16:28,866,110, T>C. VCF-style: chr16-28866110-T-C. GRCh37 (hg19) VCF-style: chr16-28877431-T-C.
Other names: c.16T>C, p.Ser6Pro (NM_001145795.2, NM_001145796.2, NM_001145797.2 and 4 more transcripts); c.-26-1264T>C (NM_001308294.2); short protein forms S6P.
Identifiers: ClinVar variation 3348564 (VCV003348564.1).